The following is an entry in ClinVar:

ClinVar aggregate classification (germline): Benign/Likely benign. Review status: criteria provided, multiple submitters, no conflicts (2 of 4 stars). 3 submissions from 3 submitters: Benign (1); Likely benign (2). Last evaluated 2026-06-24.

Conditions:
Retinoblastoma (RB1). Also called: RETINOBLASTOMA, SOMATIC. Identifiers: Orphanet 790, MedGen C0035335, MeSH D012175, MONDO:0008380, OMIM 180200, HP:0009919. Disease mechanism: loss of function. Inheritance: Both sporadic and heritable forms are tested..
Hereditary cancer-predisposing syndrome. Also called: Neoplastic Syndromes, Hereditary; Tumor predisposition; Hereditary Cancer Syndrome; Hereditary neoplastic syndrome. Identifiers: Orphanet 140162, MedGen C0027672, MeSH D009386, MONDO:0015356.

Allele frequency attached by ClinVar (database versions not stated): gnomAD exomes 0.00001; gnomAD 0.00001.
gnomAD v4.1: 5 of 1,613,416 alleles (0.00031%); highest among the groups gnomAD compares: South Asian, 0.0011%; no homozygotes.

Submissions (3):

Myriad Genetics, Inc.
Classification: Benign for Retinoblastoma. Last evaluated: 2026-06-24. Review status: criteria provided, single submitter. Criteria: Myriad Autosomal Dominant, Autosomal Recessive and X-Linked Classification Criteria (2023). Collection method: clinical testing. Allele origin: unknown.
Comment: This variant is considered benign. This variant is a silent/synonymous amino acid change and it is not expected to impact splicing.

Ambry Genetics
Classification: Likely benign for Hereditary cancer-predisposing syndrome. Last evaluated: 2025-07-18. Review status: criteria provided, single submitter. Criteria: Ambry Variant Classification Scheme 2023. Collection method: clinical testing. Allele origin: germline.

Labcorp Genetics (formerly Invitae), Labcorp
Classification: Likely benign for Retinoblastoma. Last evaluated: 2025-03-19. Review status: criteria provided, single submitter. Criteria: Invitae Variant Classification Sherloc (09022015). Collection method: clinical testing. Allele origin: germline.

NM_000321.3(RB1):c.1317C>T (p.Val439=)

Gene: RB1 (RB transcriptional corepressor 1; plus strand). Cytogenetic location: 13q14.2.
Variant type: single nucleotide variant.
Coding change: c.1317C>T on transcript NM_000321.3 (MANE Select); coding-DNA position 1317, C replaced by T.
Protein change: p.Val439=; no amino-acid change (valine 439 retained).
Molecular consequence: synonymous variant.
Genome position (GRCh38, 1-based): chr13:48,377,019, C>T. VCF-style: chr13-48377019-C-T. GRCh37 (hg19) VCF-style: chr13-48951155-C-T.
Identifiers: ClinVar variation 1088803 (VCV001088803.13), dbSNP rs1952832303, ClinGen allele CA483559121.